The following is an entry in ClinVar:

ClinVar aggregate classification (germline): Likely benign. Review status: criteria provided, multiple submitters, no conflicts (2 of 4 stars). 2 submissions from 2 submitters: Likely benign (2). Last evaluated 2026-09-01.

Conditions:
CEP104-related disorder. Also called: CEP104-related condition.
Joubert syndrome 25 (JBTS25). Identifiers: Orphanet 475, MedGen C4084842, MONDO:0014770, OMIM 616781.

gnomAD v4.1: 4 of 1,613,694 alleles (0.00025%); highest among the groups gnomAD compares: East Asian, 0.0067%; no homozygotes.

Submissions (2):

PreventionGenetics, part of Exact Sciences
Classification: Likely benign for CEP104-related condition. Last evaluated: 2026-09-01. Review status: criteria provided, single submitter. Criteria: ACMG Guidelines, 2015. Collection method: clinical testing. Allele origin: germline.
Comment: This variant is classified as likely benign based on ACMG/AMP sequence variant interpretation guidelines (Richards et al. 2015 PMID: 25741868, with internal and published modifications).

Labcorp Genetics (formerly Invitae), Labcorp
Classification: Likely benign for Joubert syndrome 25. Last evaluated: 2024-04-16. Review status: criteria provided, single submitter. Criteria: Invitae Variant Classification Sherloc (09022015). Collection method: clinical testing. Allele origin: germline.

NM_014704.4(CEP104):c.750T>C (p.Leu250=)

Gene: CEP104 (centrosomal protein 104; minus strand). Cytogenetic location: 1p36.32.
Variant type: single nucleotide variant.
Coding change: c.750T>C on transcript NM_014704.4 (MANE Select); coding-DNA position 750, T replaced by C.
Protein change: p.Leu250=; no amino-acid change (leucine 250 retained).
Molecular consequence: synonymous variant.
Genome position (GRCh38, 1-based): chr1:3,839,105, A>G on the plus strand (T>C on the coding strand, the complement: CEP104 is on the minus strand). VCF-style: chr1-3839105-A-G. GRCh37 (hg19) VCF-style: chr1-3755669-A-G.
Other names: c.750T>C (NM_014704.3).
Identifiers: ClinVar variation 3718177 (VCV003718177.3).